The following is an entry in ClinVar:

ClinVar aggregate classification (germline): Uncertain significance. Review status: criteria provided, multiple submitters, no conflicts (2 of 4 stars). 3 submissions from 3 submitters: Uncertain significance (3). Last evaluated 2025-06-23.

Conditions:
Inborn genetic diseases. Identifiers: MedGen C0950123, MeSH D030342.

Allele frequency attached by ClinVar (database versions not stated): ExAC 0.00001; gnomAD exomes 0.00001; TOPMed 0.00001.
gnomAD v4.1: 7 of 1,613,698 alleles (0.00043%); highest among the groups gnomAD compares: Non-Finnish European, 0.00059%; no homozygotes.

Submissions (3):

Labcorp Genetics (formerly Invitae), Labcorp
Classification: Uncertain significance. Last evaluated: 2025-06-23. Review status: criteria provided, single submitter. Criteria: Invitae Variant Classification Sherloc (09022015). Collection method: clinical testing. Allele origin: germline.
Comment: This sequence change replaces serine, which is neutral and polar, with leucine, which is neutral and non-polar, at codon 21 of the YARS2 protein (p.Ser21Leu). This variant is present in population databases (rs755265658, gnomAD 0.0009%). This variant has not been reported in the literature in individuals affected with YARS2-related conditions. ClinVar contains an entry for this variant (Variation ID: 2077637). Invitae Evidence Modeling of protein sequence and biophysical properties (such as structural, functional, and spatial information, amino acid conservation, physicochemical variation, residue mobility, and thermodynamic stability) indicates that this missense variant is not expected to disrupt YARS2 protein function with a negative predictive value of 95%. In summary, the available evidence is currently insufficient to determine the role of this variant in disease. Therefore, it has been classified as a Variant of Uncertain Significance.

Ambry Genetics
Classification: Uncertain significance for Inborn genetic diseases. Last evaluated: 2024-07-30. Review status: criteria provided, single submitter. Criteria: Ambry Variant Classification Scheme 2023. Collection method: clinical testing. Allele origin: germline.

GeneDx
Classification: Uncertain significance. Last evaluated: 2023-08-09. Review status: criteria provided, single submitter. Criteria: GeneDx Variant Classification Process June 2021. Collection method: clinical testing. Allele origin: germline. Affected: yes.
Comment: Not observed at significant frequency in large population cohorts (gnomAD); In silico analysis supports that this missense variant does not alter protein structure/function; Has not been previously published as pathogenic or benign to our knowledge

NM_001040436.3(YARS2):c.62C>T (p.Ser21Leu)

Gene: YARS2 (tyrosyl-tRNA synthetase 2; minus strand). Cytogenetic location: 12p11.21.
Variant type: single nucleotide variant.
Coding change: c.62C>T on transcript NM_001040436.3 (MANE Select); coding-DNA position 62, C replaced by T.
Protein change: p.Ser21Leu; replaces serine 21 with leucine.
Molecular consequence: missense variant.
Genome position (GRCh38, 1-based): chr12:32,755,813, G>A on the plus strand (C>T on the coding strand, the complement: YARS2 is on the minus strand). VCF-style: chr12-32755813-G-A. GRCh37 (hg19) VCF-style: chr12-32908747-G-A.
Other names: c.62C>T (NM_001040436.2); short protein forms S21L.
Identifiers: ClinVar variation 2077637 (VCV002077637.5), dbSNP rs755265658, ClinGen allele CA6508248.